The following is an entry in ClinVar:

NM_144997.7(FLCN):c.880G>A (p.Glu294Lys)

Gene: FLCN (folliculin; minus strand). Cytogenetic location: 17p11.2.
Variant type: single nucleotide variant.
Coding change: c.880G>A on transcript NM_144997.7 (MANE Select); coding-DNA position 880, G replaced by A.
Protein change: p.Glu294Lys; replaces glutamic acid 294 with lysine.
Molecular consequence: missense variant.
Genome position (GRCh38, 1-based): chr17:17,219,201, C>T on the plus strand (G>A on the coding strand, the complement: FLCN is on the minus strand). VCF-style: chr17-17219201-C-T. GRCh37 (hg19) VCF-style: chr17-17122515-C-T.
Other names: c.934G>A, p.Glu312Lys (NM_001353229.2); c.880G>A, p.Glu294Lys (NM_001353230.2, NM_001353231.2); short protein forms E294K, E312K.
Identifiers: ClinVar variation 948520 (VCV000948520.8), dbSNP rs2047015977, ClinGen allele CA398533101.

ClinVar aggregate classification (germline): Uncertain significance. Review status: criteria provided, multiple submitters, no conflicts (2 of 4 stars). 2 submissions from 2 submitters: Uncertain significance (2). Last evaluated 2022-12-25.

Conditions:
Hereditary cancer-predisposing syndrome. Also called: Neoplastic Syndromes, Hereditary; Hereditary neoplastic syndrome; Hereditary Cancer Syndrome; Tumor predisposition. Identifiers: Orphanet 140162, MedGen C0027672, MeSH D009386, MONDO:0015356.
Birt-Hogg-Dube syndrome. Also called: Birt Hogg Dubé syndrome. Identifiers: Orphanet 122, MedGen C0346010, MONDO:0800444.

Submissions (2):

Ambry Genetics
Classification: Uncertain significance for Hereditary cancer-predisposing syndrome. Last evaluated: 2022-12-25. Review status: criteria provided, single submitter. Criteria: Ambry Variant Classification Scheme 2023. Collection method: clinical testing. Allele origin: germline.
Comment: The p.E294K variant (also known as c.880G>A), located in coding exon 6 of the FLCN gene, results from a G to A substitution at nucleotide position 880. The glutamic acid at codon 294 is replaced by lysine, an amino acid with similar properties. This amino acid position is conserved. In addition, the in silico prediction for this alteration is inconclusive. Since supporting evidence is limited at this time, the clinical significance of this alteration remains unclear.

Labcorp Genetics (formerly Invitae), Labcorp
Classification: Uncertain significance for Birt-Hogg-Dube syndrome. Last evaluated: 2019-05-08. Review status: criteria provided, single submitter. Criteria: Invitae Variant Classification Sherloc (09022015). Collection method: clinical testing. Allele origin: germline.
Comment: This sequence change replaces glutamic acid with lysine at codon 294 of the FLCN protein (p.Glu294Lys). The glutamic acid residue is highly conserved and there is a small physicochemical difference between glutamic acid and lysine. This variant is not present in population databases (ExAC no frequency). This variant has not been reported in the literature in individuals with FLCN-related conditions. Algorithms developed to predict the effect of missense changes on protein structure and function (SIFT, PolyPhen-2, Align-GVGD) all suggest that this variant is likely to be tolerated, but these predictions have not been confirmed by published functional studies and their clinical significance is uncertain. In summary, the available evidence is currently insufficient to determine the role of this variant in disease. Therefore, it has been classified as a Variant of Uncertain Significance.